The following is an entry in ClinVar:

ClinVar aggregate classification (germline): Pathogenic. Review status: criteria provided, multiple submitters, no conflicts (2 of 4 stars). 2 submissions from 2 submitters: Pathogenic (2). Last evaluated 2021-08-10.

Conditions:
Wilson disease (WND). Also called: Wilson's disease. Identifiers: Orphanet 905, MedGen C0019202, MONDO:0010200, OMIM 277900. Disease mechanism: loss of function.

Submissions (2):

Genome-Nilou Lab
Classification: Pathogenic for Wilson disease. Last evaluated: 2021-08-10. Review status: criteria provided, single submitter. Criteria: ACMG Guidelines, 2015. Collection method: clinical testing. Allele origin: germline. Affected: no.

Labcorp Genetics (formerly Invitae), Labcorp
Classification: Pathogenic for Wilson disease. Last evaluated: 2020-02-21. Review status: criteria provided, single submitter. Criteria: Invitae Variant Classification Sherloc (09022015). Collection method: clinical testing. Allele origin: germline.
Comment: This sequence change replaces histidine with arginine at codon 1069 of the ATP7B protein (p.His1069Arg). The histidine residue is highly conserved and there is a small physicochemical difference between histidine and arginine. For these reasons, this variant has been classified as Pathogenic. This variant disrupts the p.His1069 amino acid residue in ATP7B. Other variant(s) that disrupt this residue have been determined to be pathogenic (PMID: 8298641, 9887381, 18311837, 22221592, 22286624, 22720308, 24897373). This suggests that this residue is clinically significant, and that variants that disrupt this residue are likely to be disease-causing. Algorithms developed to predict the effect of missense changes on protein structure and function (SIFT, PolyPhen-2, Align-GVGD) all suggest that this variant is likely to be disruptive, but these predictions have not been confirmed by published functional studies and their clinical significance is uncertain. This variant has been observed in individual(s) with features of Wilson disease (Invitae). In at least one individual the data is consistent with the variant being in trans (on the opposite chromosome) from a pathogenic variant. This variant is not present in population databases (ExAC no frequency).

Literature cited by the submitters: PubMed 8298641 (cited by Labcorp Genetics (formerly Invitae), Labcorp); PubMed 9887381 (cited by Labcorp Genetics (formerly Invitae), Labcorp); PubMed 18311837 (cited by Labcorp Genetics (formerly Invitae), Labcorp); PubMed 22221592 (cited by Labcorp Genetics (formerly Invitae), Labcorp); PubMed 22286624 (cited by Labcorp Genetics (formerly Invitae), Labcorp); PubMed 22720308 (cited by Labcorp Genetics (formerly Invitae), Labcorp); PubMed 24897373 (cited by Labcorp Genetics (formerly Invitae), Labcorp).

NM_000053.4(ATP7B):c.3206A>G (p.His1069Arg)

Gene: ATP7B (ATPase copper transporting beta; minus strand). Cytogenetic location: 13q14.3.
Variant type: single nucleotide variant.
Coding change: c.3206A>G on transcript NM_000053.4 (MANE Select); coding-DNA position 3206, A replaced by G.
Protein change: p.His1069Arg; replaces histidine 1069 with arginine.
Molecular consequence: missense variant.
Genome position (GRCh38, 1-based): chr13:51,944,146, T>C on the plus strand (A>G on the coding strand, the complement: ATP7B is on the minus strand). VCF-style: chr13-51944146-T-C. GRCh37 (hg19) VCF-style: chr13-52518282-T-C.
Other names: c.2585A>G, p.His862Arg (NM_001005918.3); c.2873A>G, p.His958Arg (NM_001243182.2); c.2972A>G, p.His991Arg (NM_001330578.2); c.2954A>G, p.His985Arg (NM_001330579.2); short protein forms H1069R, H862R, H958R, H985R, H991R.
Identifiers: ClinVar variation 1069926 (VCV001069926.13), dbSNP rs201738147, ClinGen allele CA388029883.